The following is an entry in ClinVar:

ClinVar aggregate classification (germline): Likely benign. Review status: criteria provided, multiple submitters, no conflicts (2 of 4 stars). 3 submissions from 3 submitters: Likely benign (3). Last evaluated 2026-01-27.

Conditions:
Hereditary cancer-predisposing syndrome. Also called: Tumor predisposition; Hereditary neoplastic syndrome; Neoplastic Syndromes, Hereditary; Hereditary Cancer Syndrome. Identifiers: Orphanet 140162, MedGen C0027672, MeSH D009386, MONDO:0015356.
Neurofibromatosis, type 2 (SWNV). Also called: BILATERAL ACOUSTIC NEUROFIBROMATOSIS; NF2-Related Schwannomatosis; SCHWANNOMATOSIS, VESTIBULAR. Identifiers: Orphanet 637, MedGen C0027832, MONDO:0007039, OMIM 101000. Disease mechanism: loss of function.

Allele frequency attached by ClinVar (database versions not stated): gnomAD 0.00002; TOPMed 0.00003.
gnomAD v4.1: 4 of 1,614,082 alleles (0.00025%); highest among the groups gnomAD compares: Admixed American, 0.0033%; no homozygotes.

Submissions (3):

Labcorp Genetics (formerly Invitae), Labcorp
Classification: Likely benign for Neurofibromatosis, type 2. Last evaluated: 2026-01-27. Review status: criteria provided, single submitter. Criteria: Invitae Variant Classification Sherloc (09022015). Collection method: clinical testing. Allele origin: germline.

All of Us Research Program, National Institutes of Health
Classification: Likely benign for Neurofibromatosis, type 2. Last evaluated: 2023-11-30. Review status: criteria provided, single submitter. Criteria: ACMG Guidelines, 2015. Collection method: clinical testing. Allele origin: germline. Inheritance: Autosomal dominant inheritance. Observed: 3 variant alleles, 3 heterozygotes.
Comment: This study involves interpretation of variants in research participants for the purpose of population health screening. Participant phenotype was not available at the time of variant classification. Additional details can be found in publication PMID: 35346344, PMCID: PMC8962531

Ambry Genetics
Classification: Likely benign for Hereditary cancer-predisposing syndrome. Last evaluated: 2022-04-04. Review status: criteria provided, single submitter. Criteria: Ambry Variant Classification Scheme 2023. Collection method: clinical testing. Allele origin: germline.

NM_000268.4(NF2):c.1077G>A (p.Arg359=)

Gene: NF2 (NF2, moesin-ezrin-radixin like (MERLIN) tumor suppressor; plus strand). Cytogenetic location: 22q12.2.
Variant type: single nucleotide variant.
Coding change: c.1077G>A on transcript NM_000268.4 (MANE Select); coding-DNA position 1077, G replaced by A.
Protein change: p.Arg359=; no amino-acid change (arginine 359 retained).
Molecular consequence: synonymous variant. On other transcripts: non-coding transcript variant (1), intron variant (1).
Genome position (GRCh38, 1-based): chr22:29,671,903, G>A. VCF-style: chr22-29671903-G-A. GRCh37 (hg19) VCF-style: chr22-30067892-G-A.
Other names: c.1077G>A, p.Arg359= (NM_016418.5, NM_181825.3, NM_181832.3); c.951G>A, p.Arg317= (NM_181828.3); c.954G>A, p.Arg318= (NM_181829.3); c.828G>A, p.Arg276= (NM_181830.3, NM_181831.3); c.448-22849G>A (NM_181833.3).
Identifiers: ClinVar variation 237612 (VCV000237612.15), dbSNP rs878853923, ClinGen allele CA10583922.